The following is an entry in ClinVar:

NM_005909.5(MAP1B):c.2734C>T (p.Leu912=)

Gene: MAP1B (microtubule associated protein 1B; plus strand). Cytogenetic location: 5q13.2.
Variant type: single nucleotide variant.
Coding change: c.2734C>T on transcript NM_005909.5 (MANE Select); coding-DNA position 2734, C replaced by T.
Protein change: p.Leu912=; no amino-acid change (leucine 912 retained).
Molecular consequence: synonymous variant.
Genome position (GRCh38, 1-based): chr5:72,196,089, C>T. VCF-style: chr5-72196089-C-T. GRCh37 (hg19) VCF-style: chr5-71491916-C-T.
Other names: c.2356C>T, p.Leu786= (NM_001324255.2).
Identifiers: ClinVar variation 4822714 (VCV004822714.4).

ClinVar aggregate classification (germline): Likely benign (1 of 4 stars; one submission).

gnomAD v4.1: 12 of 1,614,020 alleles (0.00074%); highest among the groups gnomAD compares: African/African-American, 0.0013%; no homozygotes.

Submission:

CeGaT Center for Human Genetics Tuebingen
Classification: Likely benign. Last evaluated: 2026-01-01. Review status: criteria provided, single submitter. Criteria: CeGaT Center For Human Genetics Tuebingen Variant Classification Criteria Version 2. Collection method: clinical testing. Allele origin: germline. Affected: yes. Observed: 1 variant allele.
Comment: MAP1B: BP4, BP7